The following is an entry in ClinVar:

NM_014845.6(FIG4):c.1703A>G (p.Lys568Arg)

Gene: FIG4 (FIG4 phosphoinositide 5-phosphatase; plus strand). Cytogenetic location: 6q21.
Variant type: single nucleotide variant.
Coding change: c.1703A>G on transcript NM_014845.6 (MANE Select); coding-DNA position 1703, A replaced by G.
Protein change: p.Lys568Arg; replaces lysine 568 with arginine.
Molecular consequence: missense variant.
Genome position (GRCh38, 1-based): chr6:109,766,848, A>G. VCF-style: chr6-109766848-A-G. GRCh37 (hg19) VCF-style: chr6-110088051-A-G.
Other names: short protein forms K568R.
Identifiers: ClinVar variation 424520 (VCV000424520.5), dbSNP rs1064797016, ClinGen allele CA16618231.

ClinVar aggregate classification (germline): Uncertain significance. Review status: criteria provided, multiple submitters, no conflicts (2 of 4 stars). 2 submissions from 2 submitters: Uncertain significance (2). Last evaluated 2024-02-21.

Conditions:
Inborn genetic diseases. Identifiers: MedGen C0950123, MeSH D030342.

Allele frequency attached by ClinVar (database versions not stated): gnomAD exomes below 0.00001.
gnomAD v4.1: 6 of 1,614,130 alleles (0.00037%); highest among the groups gnomAD compares: East Asian, 0.011%; no homozygotes.

Submissions (2):

Ambry Genetics
Classification: Uncertain significance for Inborn genetic diseases. Last evaluated: 2024-02-21. Review status: criteria provided, single submitter. Criteria: Ambry Variant Classification Scheme 2023. Collection method: clinical testing. Allele origin: germline.

GeneDx
Classification: Uncertain significance. Last evaluated: 2020-02-21. Review status: criteria provided, single submitter. Criteria: GeneDx Variant Classification Process June 2021. Collection method: clinical testing. Allele origin: germline. Affected: yes.
Comment: Not observed in large population cohorts (Lek et al., 2016); In silico analysis supports that this missense variant does not alter protein structure/function; Has not been previously published as pathogenic or benign to our knowledge